The following is an entry in ClinVar:

NM_032271.3(TRAF7):c.1135+18G>A

Gene: TRAF7 (TNF receptor associated factor 7; plus strand). Cytogenetic location: 16p13.3.
Variant type: single nucleotide variant.
Coding change: c.1135+18G>A on transcript NM_032271.3 (MANE Select); 18 bases into the intron after coding-DNA position 1135, G replaced by A.
Molecular consequence: intron variant.
Genome position (GRCh38, 1-based): chr16:2,173,854, G>A. VCF-style: chr16-2173854-G-A. GRCh37 (hg19) VCF-style: chr16-2223855-G-A.
Identifiers: ClinVar variation 2570927 (VCV002570927.27), dbSNP rs184394516, ClinGen allele CA7834848.
Genomic context (GRCh38, chr16:2,173,854, plus strand): 5'-CTGTCCCACATCAACGCGCGGCTGAACATGGGCATCCTAGGCTGTGAGTATGGACCCGCC[G>A]TGGCTCCCGCCCACCCTCCCCCCCGGGCCCCAACTGGGCCTTCACCCACTGCTCCCATCT-3'

ClinVar aggregate classification (germline): Benign (1 of 4 stars; one submission).

Allele frequency attached by ClinVar (database versions not stated): 1000 Genomes Project 30x 0.00468; 1000 Genomes Project 0.00519; gnomAD 0.00876; ExAC 0.00897; TOPMed 0.00906; ESP Exome Variant Server 0.01089.

Submission:

CeGaT Center for Human Genetics Tuebingen
Classification: Benign. Last evaluated: 2024-07-01. Review status: criteria provided, single submitter. Criteria: CeGaT Center For Human Genetics Tuebingen Variant Classification Criteria Version 2. Collection method: clinical testing. Allele origin: germline. Affected: yes. Observed: 21 variant alleles.
Comment: TRAF7: BS1, BS2